The following is an entry in ClinVar:

NM_001197104.2(KMT2A):c.63C>A (p.Gly21=)

Gene: KMT2A (lysine methyltransferase 2A; plus strand). Cytogenetic location: 11q23.3.
Variant type: single nucleotide variant.
Coding change: c.63C>A on transcript NM_001197104.2 (MANE Select); coding-DNA position 63, C replaced by A.
Protein change: p.Gly21=; no amino-acid change (glycine 21 retained).
Molecular consequence: synonymous variant.
Genome position (GRCh38, 1-based): chr11:118,436,575, C>A. VCF-style: chr11-118436575-C-A. GRCh37 (hg19) VCF-style: chr11-118307290-C-A.
Other names: c.63C>A, p.Gly21= (NM_001412597.1, NM_005933.4).
Identifiers: ClinVar variation 3351359 (VCV003351359.1).

ClinVar aggregate classification (germline): Likely benign (0 of 4 stars; one submission).

Conditions:
KMT2A-related disorder. Also called: KMT2A-related condition.

Submission:

PreventionGenetics, part of Exact Sciences
Classification: Likely benign for KMT2A-related condition. Last evaluated: 2024-08-22. Review status: no assertion criteria provided. Collection method: clinical testing. Allele origin: germline.
Comment: This variant is classified as likely benign based on ACMG/AMP sequence variant interpretation guidelines (Richards et al. 2015 PMID: 25741868, with internal and published modifications).